The following is an entry in ClinVar:

NC_000002.11:g.(?_182468544)_(182468826_?)dup

Gene: CERKL (ceramide kinase like; minus strand). Cytogenetic location: 2q31.3.
Variant type: Duplication.
Identifiers: ClinVar variation 3247473 (VCV003247473.1).

ClinVar aggregate classification (germline): Uncertain significance (1 of 4 stars; one submission).

Submission:

Labcorp Genetics (formerly Invitae), Labcorp
Classification: Uncertain significance. Last evaluated: 2023-10-13. Review status: criteria provided, single submitter. Criteria: Invitae Variant Classification Sherloc (09022015). Collection method: clinical testing. Allele origin: unknown.
Comment: This variant results in a copy number gain of the genomic region encompassing exon(s) 2 of the CERKL gene. While the exact position of this variant cannot be determined from the data, sub-genic copy number gains are generally in tandem (PMID: 25640679). This variant is predicted to be in-frame, and likely preserves the integrity of the reading frame. A similar copy number variant has been observed in individual(s) with Clinical features of cone-rod dystrophy (Invitae). In summary, the available evidence is currently insufficient to determine the role of this variant in disease. Therefore, it has been classified as a Variant of Uncertain Significance.

Literature cited by the submitters: PubMed 25640679.